The following is an entry in ClinVar:

NM_000637.5(GSR):c.691C>G (p.Pro231Ala)

Gene: GSR (glutathione-disulfide reductase; minus strand). Cytogenetic location: 8p12.
Variant type: single nucleotide variant.
Coding change: c.691C>G on transcript NM_000637.5 (MANE Select); coding-DNA position 691, C replaced by G.
Protein change: p.Pro231Ala; replaces proline 231 with alanine.
Molecular consequence: missense variant.
Genome position (GRCh38, 1-based): chr8:30,700,085, G>C on the plus strand (C>G on the coding strand, the complement: GSR is on the minus strand). VCF-style: chr8-30700085-G-C. GRCh37 (hg19) VCF-style: chr8-30557602-G-C.
Other names: c.691C>G, p.Pro231Ala (NM_001195102.3, NM_001195103.3, NM_001195104.3); short protein forms P231A.
Identifiers: ClinVar variation 2069615 (VCV002069615.2), dbSNP rs201272704, ClinGen allele CA4701430.

ClinVar aggregate classification (germline): Uncertain significance. Review status: criteria provided, multiple submitters, no conflicts (2 of 4 stars). 2 submissions from 2 submitters: Uncertain significance (2). Last evaluated 2022-12-02.

Allele frequency attached by ClinVar (database versions not stated): gnomAD exomes 0.00001; gnomAD 0.00003; TOPMed 0.00005; ExAC 0.00008; 1000 Genomes Project 0.00040; 1000 Genomes Project 30x 0.00047.
gnomAD v4.1: 24 of 1,612,232 alleles (0.0015%); highest among the groups gnomAD compares: East Asian, 0.051%; no homozygotes.

Submissions (2):

Ambry Genetics
Classification: Uncertain significance. Last evaluated: 2022-12-02. Review status: criteria provided, single submitter. Criteria: Ambry Variant Classification Scheme 2023. Collection method: clinical testing. Allele origin: germline.

Labcorp Genetics (formerly Invitae), Labcorp
Classification: Uncertain significance. Last evaluated: 2022-04-10. Review status: criteria provided, single submitter. Criteria: Invitae Variant Classification Sherloc (09022015). Collection method: clinical testing. Allele origin: germline.
Comment: This sequence change replaces proline, which is neutral and non-polar, with alanine, which is neutral and non-polar, at codon 231 of the GSR protein (p.Pro231Ala). This variant is present in population databases (rs201272704, gnomAD 0.09%). This variant has not been reported in the literature in individuals affected with GSR-related conditions. Algorithms developed to predict the effect of missense changes on protein structure and function (SIFT, PolyPhen-2, Align-GVGD) all suggest that this variant is likely to be disruptive. In summary, the available evidence is currently insufficient to determine the role of this variant in disease. Therefore, it has been classified as a Variant of Uncertain Significance.